The following continues an entry in ClinVar:

NM_021075.4(NDUFV3):c.168A>C (p.Lys56Asn)

Gene: NDUFV3. ClinVar aggregate classification (germline): Likely benign. Likely benign (3).

Submissions 32 to 52 of 52:

Dr. Peter K. Rogan Lab, Western University
No classification provided (evidence only). Condition: Sarcoma. Review status: no classification provided. Collection method: in vitro. Allele origin: not applicable. Functional consequence: retained intron. Not counted in ClinVar's aggregate classification.

Dr. Peter K. Rogan Lab, Western University
No classification provided (evidence only). Condition: Sarcoma. Review status: no classification provided. Collection method: in vitro. Allele origin: not applicable. Functional consequence: retained intron. Not counted in ClinVar's aggregate classification.

Dr. Peter K. Rogan Lab, Western University
No classification provided (evidence only). Condition: Malignant lymphoma, large B-cell, diffuse. Review status: no classification provided. Collection method: in vitro. Allele origin: not applicable. Functional consequence: retained intron. Not counted in ClinVar's aggregate classification.

Dr. Peter K. Rogan Lab, Western University
No classification provided (evidence only). Condition: Hepatocellular carcinoma. Review status: no classification provided. Collection method: in vitro. Allele origin: not applicable. Functional consequence: retained intron. Not counted in ClinVar's aggregate classification.

Dr. Peter K. Rogan Lab, Western University
No classification provided (evidence only). Condition: Hepatocellular carcinoma. Review status: no classification provided. Collection method: in vitro. Allele origin: not applicable. Functional consequence: retained intron. Not counted in ClinVar's aggregate classification.

Dr. Peter K. Rogan Lab, Western University
No classification provided (evidence only). Condition: Hepatocellular carcinoma. Review status: no classification provided. Collection method: in vitro. Allele origin: not applicable. Functional consequence: retained intron. Not counted in ClinVar's aggregate classification.

Dr. Peter K. Rogan Lab, Western University
No classification provided (evidence only). Condition: Nonpapillary renal cell carcinoma. Review status: no classification provided. Collection method: in vitro. Allele origin: not applicable. Functional consequence: retained intron. Not counted in ClinVar's aggregate classification.

Dr. Peter K. Rogan Lab, Western University
No classification provided (evidence only). Condition: Nonpapillary renal cell carcinoma. Review status: no classification provided. Collection method: in vitro. Allele origin: not applicable. Functional consequence: retained intron. Not counted in ClinVar's aggregate classification.

Dr. Peter K. Rogan Lab, Western University
No classification provided (evidence only). Condition: Nonpapillary renal cell carcinoma. Review status: no classification provided. Collection method: in vitro. Allele origin: not applicable. Functional consequence: retained intron. Not counted in ClinVar's aggregate classification.

Dr. Peter K. Rogan Lab, Western University
No classification provided (evidence only). Condition: Thymoma. Review status: no classification provided. Collection method: in vitro. Allele origin: not applicable. Functional consequence: retained intron. Not counted in ClinVar's aggregate classification.

Dr. Peter K. Rogan Lab, Western University
No classification provided (evidence only). Condition: Ovarian serous cystadenocarcinoma. Review status: no classification provided. Collection method: in vitro. Allele origin: not applicable. Functional consequence: retained intron. Not counted in ClinVar's aggregate classification.

Dr. Peter K. Rogan Lab, Western University
No classification provided (evidence only). Condition: Ovarian serous cystadenocarcinoma. Review status: no classification provided. Collection method: in vitro. Allele origin: not applicable. Functional consequence: retained intron. Not counted in ClinVar's aggregate classification.

Dr. Peter K. Rogan Lab, Western University
No classification provided (evidence only). Condition: Ovarian serous cystadenocarcinoma. Review status: no classification provided. Collection method: in vitro. Allele origin: not applicable. Functional consequence: retained intron. Not counted in ClinVar's aggregate classification.

Dr. Peter K. Rogan Lab, Western University
No classification provided (evidence only). Condition: Ovarian serous cystadenocarcinoma. Review status: no classification provided. Collection method: in vitro. Allele origin: not applicable. Functional consequence: retained intron. Not counted in ClinVar's aggregate classification.

Dr. Peter K. Rogan Lab, Western University
No classification provided (evidence only). Condition: Gastric cancer. Review status: no classification provided. Collection method: in vitro. Allele origin: not applicable. Functional consequence: retained intron. Not counted in ClinVar's aggregate classification.

Dr. Peter K. Rogan Lab, Western University
No classification provided (evidence only). Condition: Gastric cancer. Review status: no classification provided. Collection method: in vitro. Allele origin: not applicable. Functional consequence: retained intron. Not counted in ClinVar's aggregate classification.

Dr. Peter K. Rogan Lab, Western University
No classification provided (evidence only). Condition: Gastric cancer. Review status: no classification provided. Collection method: in vitro. Allele origin: not applicable. Functional consequence: retained intron. Not counted in ClinVar's aggregate classification.

Dr. Peter K. Rogan Lab, Western University
No classification provided (evidence only). Condition: Adrenocortical carcinoma, hereditary. Review status: no classification provided. Collection method: in vitro. Allele origin: not applicable. Functional consequence: retained intron. Not counted in ClinVar's aggregate classification.

Dr. Peter K. Rogan Lab, Western University
No classification provided (evidence only). Condition: Uveal melanoma. Review status: no classification provided. Collection method: in vitro. Allele origin: not applicable. Functional consequence: retained intron. Not counted in ClinVar's aggregate classification.

Dr. Peter K. Rogan Lab, Western University
No classification provided (evidence only). Condition: Uveal melanoma. Review status: no classification provided. Collection method: in vitro. Allele origin: not applicable. Functional consequence: skipped exon, retained intron. Not counted in ClinVar's aggregate classification.

Dr. Peter K. Rogan Lab, Western University
No classification provided (evidence only). Condition: Malignant tumor of esophagus. Review status: no classification provided. Collection method: in vitro. Allele origin: not applicable. Functional consequence: skipped exon, retained intron. Not counted in ClinVar's aggregate classification.